The following is an entry in ClinVar:

ClinVar aggregate classification (germline): Uncertain significance (1 of 4 stars; one submission).

Conditions:
CEP164-related disorder. Also called: CEP164-related condition.

gnomAD v4.1: 2 of 1,614,222 alleles (0.00012%); highest among the groups gnomAD compares: Non-Finnish European, 0.00017%; no homozygotes.

Submission:

PreventionGenetics, part of Exact Sciences
Classification: Uncertain significance for CEP164-related condition. Last evaluated: 2026-04-09. Review status: criteria provided, single submitter. Criteria: ACMG Guidelines, 2015. Collection method: clinical testing. Allele origin: germline.
Comment: The CEP164 c.1016C>T variant is predicted to result in the amino acid substitution p.Pro339Leu. To our knowledge, this variant has not been reported in the literature. This variant is reported in 0.00088% of alleles in individuals of European (Non-Finnish) descent in gnomAD. At this time, the clinical significance of this variant is uncertain due to the absence of conclusive functional and genetic evidence.

NM_014956.5(CEP164):c.1016C>T (p.Pro339Leu)

Gene: CEP164 (centrosomal protein 164; plus strand). Cytogenetic location: 11q23.3.
Variant type: single nucleotide variant.
Coding change: c.1016C>T on transcript NM_014956.5 (MANE Select); coding-DNA position 1016, C replaced by T.
Protein change: p.Pro339Leu; replaces proline 339 with leucine.
Molecular consequence: missense variant.
Genome position (GRCh38, 1-based): chr11:117,371,330, C>T. VCF-style: chr11-117371330-C-T. GRCh37 (hg19) VCF-style: chr11-117242046-C-T.
Other names: c.1016C>T, p.Pro339Leu (NM_001271933.2, NM_001440949.1, NM_001440950.1 and 16 more transcripts); c.938C>T, p.Pro313Leu (NM_001440952.1, NM_001440954.1, NM_001440955.1 and 17 more transcripts); c.878C>T, p.Pro293Leu (NM_001440960.1); short protein forms P313L, P339L, P293L.
Identifiers: ClinVar variation 4994027 (VCV004994027.1).